The following is an entry in ClinVar:

ClinVar aggregate classification (germline): Benign (1 of 4 stars; one submission).

Allele frequency attached by ClinVar (database versions not stated): ExAC 0.00144; gnomAD 0.00166; gnomAD exomes 0.00190; TOPMed 0.00192; ESP Exome Variant Server 0.00138; 1000 Genomes Project 0.00200; 1000 Genomes Project 30x 0.00203.
gnomAD v4.1: 3,033 of 1,602,064 alleles (0.19%); highest among the groups gnomAD compares: Middle Eastern, 0.63%; 7 homozygotes.

Submission:

CeGaT Center for Human Genetics Tuebingen
Classification: Benign. Last evaluated: 2022-11-01. Review status: criteria provided, single submitter. Criteria: CeGaT Center For Human Genetics Tuebingen Variant Classification Criteria Version 2. Collection method: clinical testing. Allele origin: germline. Affected: yes. Observed: 1 variant allele.
Comment: LRP1B: BS1, BS2

NM_018557.3(LRP1B):c.8150-15T>A

Gene: LRP1B (LDL receptor related protein 1B; minus strand). Cytogenetic location: 2q22.1.
Variant type: single nucleotide variant.
Coding change: c.8150-15T>A on transcript NM_018557.3 (MANE Select); 15 bases into the intron before coding-DNA position 8150, T replaced by A.
Molecular consequence: intron variant.
Genome position (GRCh38, 1-based): chr2:140,514,787, A>T on the plus strand (T>A on the coding strand, the complement: LRP1B is on the minus strand). VCF-style: chr2-140514787-A-T. GRCh37 (hg19) VCF-style: chr2-141272356-A-T.
Identifiers: ClinVar variation 2651388 (VCV002651388.24), dbSNP rs201826290, ClinGen allele CA1894057.
Genomic context (GRCh38, chr2:140,514,787, plus strand): 5'-CATTTTTGTGCGGAACAAGCAAATTGGTTCCAAGAGCAAGAAGAATCTAGGAAACAAACA[A>T]AAGGAAAAAAAAAAATAGTTTGAGACCGTCTTACAACAGATCCGACAGTGAGAAGATTCT-3'